The following is an entry in ClinVar:

ClinVar aggregate classification (germline): Benign/Likely benign. Review status: criteria provided, multiple submitters, no conflicts (2 of 4 stars). 2 submissions from 2 submitters: Benign (1); Likely benign (1). Last evaluated 2024-09-20.

Conditions:
Hereditary diffuse gastric adenocarcinoma (HDGC). Also called: DIFFUSE GASTRIC AND LOBULAR BREAST CANCER SYNDROME. Identifiers: Orphanet 26106, MedGen C1708349, MONDO:0007648, OMIM 137215.
Hereditary cancer-predisposing syndrome. Also called: Tumor predisposition; Neoplastic Syndromes, Hereditary; Hereditary Cancer Syndrome; Hereditary neoplastic syndrome. Identifiers: Orphanet 140162, MedGen C0027672, MeSH D009386, MONDO:0015356.

Submissions (2):

Myriad Genetics, Inc.
Classification: Benign for Hereditary diffuse gastric adenocarcinoma. Last evaluated: 2024-09-20. Review status: criteria provided, single submitter. Criteria: Myriad Autosomal Dominant, Autosomal Recessive and X-Linked Classification Criteria (2023). Collection method: clinical testing. Allele origin: unknown.
Comment: This variant is considered benign. This variant is a silent/synonymous amino acid change and it is not expected to impact splicing.

Ambry Genetics
Classification: Likely benign for Hereditary cancer-predisposing syndrome. Last evaluated: 2017-11-01. Review status: criteria provided, single submitter. Criteria: Ambry Variant Classification Scheme 2023. Collection method: clinical testing. Allele origin: germline.

NM_004360.5(CDH1):c.1764G>A (p.Val588=)

Gene: CDH1 (cadherin 1; plus strand). Cytogenetic location: 16q22.1.
Variant type: single nucleotide variant.
Coding change: c.1764G>A on transcript NM_004360.5 (MANE Select); coding-DNA position 1764, G replaced by A.
Protein change: p.Val588=; no amino-acid change (valine 588 retained).
Molecular consequence: synonymous variant. On other transcripts: 5 prime UTR variant (1).
Genome position (GRCh38, 1-based): chr16:68,822,053, G>A. VCF-style: chr16-68822053-G-A. GRCh37 (hg19) VCF-style: chr16-68855956-G-A.
Other names: c.1581G>A, p.Val527= (NM_001317184.2); c.216G>A, p.Val72= (NM_001317185.2); c.-202G>A (NM_001317186.2).
Identifiers: ClinVar variation 1779649 (VCV001779649.3), dbSNP rs2152138243, ClinGen allele CA496392539.